The following is an entry in ClinVar:

ClinVar aggregate classification (germline): Uncertain significance (1 of 4 stars; one submission).

Submission:

GeneDx
Classification: Uncertain significance. Last evaluated: 2024-10-17. Review status: criteria provided, single submitter. Criteria: GeneDx Variant Classification Process June 2021. Collection method: clinical testing. Allele origin: germline. Affected: yes.
Comment: Not observed at significant frequency in large population cohorts (gnomAD); In silico analysis supports a deleterious effect on splicing; Has not been previously published as pathogenic or benign to our knowledge

NM_170675.5(MEIS2):c.977+4A>T

Gene: MEIS2 (Meis homeobox 2; minus strand). Cytogenetic location: 15q14.
Variant type: single nucleotide variant.
Coding change: c.977+4A>T on transcript NM_170675.5 (MANE Select); 4 bases into the intron after coding-DNA position 977, A replaced by T.
Molecular consequence: intron variant.
Genome position (GRCh38, 1-based): chr15:36,950,320, T>A on the plus strand (A>T on the coding strand, the complement: MEIS2 is on the minus strand). VCF-style: chr15-36950320-T-A. GRCh37 (hg19) VCF-style: chr15-37242521-T-A.
Other names: c.938+4A>T (NM_002399.4, NM_172315.3); c.977+4A>T (NM_001220482.2, NM_170676.5, NM_170674.5 and 1 more transcripts); c.713+4A>T (NM_172316.3).
Identifiers: ClinVar variation 3781274 (VCV003781274.1).